The following is an entry in ClinVar:

ClinVar aggregate classification (germline): Conflicting classifications of pathogenicity. Review status: criteria provided, conflicting classifications (1 of 4 stars). 4 submissions from 4 submitters: Uncertain significance (3); Likely benign (1). Last evaluated 2026-03-02.

Conditions:
SLC7A9-related disorder. Also called: SLC7A9-related condition.
Cystinuria (CSNU). Also called: CYSTINURIA, TYPE I; CYSTINURIA, TYPE II; CYSTINURIA, TYPE III; Cystinuria, non-type I. Identifiers: Orphanet 214, MedGen C0010691, MONDO:0009067, OMIM 220100, HP:0003131.

Allele frequency attached by ClinVar (database versions not stated): ExAC 0.00016; gnomAD exomes 0.00016 and 0.00020; gnomAD 0.00017 and 0.00018; TOPMed 0.00023.
gnomAD v4.1: 255 of 1,614,112 alleles (0.016%); highest among the groups gnomAD compares: Admixed American, 0.03%; no homozygotes.

Submissions (4):

PreventionGenetics, part of Exact Sciences
Classification: Uncertain significance for SLC7A9-related condition. Last evaluated: 2026-03-02. Review status: criteria provided, single submitter. Criteria: ACMG Guidelines, 2015. Collection method: clinical testing. Allele origin: germline.
Comment: The SLC7A9 c.1199G>A variant is predicted to result in the amino acid substitution p.Arg400Lys. To our knowledge, this variant has not been reported in the literature. This variant is reported in 0.028% of alleles in individuals of Latino descent in gnomAD. At this time, the clinical significance of this variant is uncertain due to the absence of conclusive functional and genetic evidence.

Labcorp Genetics (formerly Invitae), Labcorp
Classification: Uncertain significance. Last evaluated: 2025-02-06. Review status: criteria provided, single submitter. Criteria: Invitae Variant Classification Sherloc (09022015). Collection method: clinical testing. Allele origin: germline.
Comment: This sequence change replaces arginine, which is basic and polar, with lysine, which is basic and polar, at codon 400 of the SLC7A9 protein (p.Arg400Lys). This variant is present in population databases (rs202069562, gnomAD 0.03%). This variant has not been reported in the literature in individuals affected with SLC7A9-related conditions. ClinVar contains an entry for this variant (Variation ID: 891247). Invitae Evidence Modeling of protein sequence and biophysical properties (such as structural, functional, and spatial information, amino acid conservation, physicochemical variation, residue mobility, and thermodynamic stability) indicates that this missense variant is not expected to disrupt SLC7A9 protein function with a negative predictive value of 80%. In summary, the available evidence is currently insufficient to determine the role of this variant in disease. Therefore, it has been classified as a Variant of Uncertain Significance.

Blueprint Genetics
Classification: Likely benign. Last evaluated: 2024-09-06. Review status: criteria provided, single submitter. Criteria: ACMG Guidelines, 2015. Collection method: clinical testing. Allele origin: germline.

Illumina Laboratory Services, Illumina
Classification: Uncertain significance for Cystinuria. Last evaluated: 2018-01-12. Review status: criteria provided, single submitter. Criteria: ICSL Variant Classification Criteria 13 December 2019. Collection method: clinical testing. Allele origin: germline.

NM_014270.5(SLC7A9):c.1199G>A (p.Arg400Lys)

Gene: SLC7A9 (solute carrier family 7 member 9; minus strand). Cytogenetic location: 19q13.11.
Variant type: single nucleotide variant.
Coding change: c.1199G>A on transcript NM_014270.5 (MANE Select); coding-DNA position 1199, G replaced by A.
Protein change: p.Arg400Lys; replaces arginine 400 with lysine.
Molecular consequence: missense variant.
Genome position (GRCh38, 1-based): chr19:32,842,193, C>T on the plus strand (G>A on the coding strand, the complement: SLC7A9 is on the minus strand). VCF-style: chr19-32842193-C-T. GRCh37 (hg19) VCF-style: chr19-33333099-C-T.
Other names: c.1199G>A, p.Arg400Lys (NM_001126335.2, NM_001243036.2); short protein forms R400K.
Identifiers: ClinVar variation 891247 (VCV000891247.12), dbSNP rs202069562, ClinGen allele CA9358473.